The following is an entry in ClinVar:

NM_001122742.2(ESR1):c.-70-3748_-70-3747insAA

Gene: ESR1 (estrogen receptor 1; plus strand). Cytogenetic location: 6q25.1.
Variant type: Insertion.
Coding change: c.-70-3748_-70-3747insAA on transcript NM_001122742.2; 3748 bases into the intron before 70 bases upstream of the start codon through 3747 bases into the intron before 70 bases upstream of the start codon, AA inserted.
Molecular consequence: intron variant.
Genome position: GRCh38 VCF-style: chr6-151804095-C-CAA. GRCh37 (hg19) VCF-style: chr6-152125230-C-CAA.
Other names: c.-70-3748_-70-3747insAA (NM_001385568.1, NM_001385570.1).
Identifiers: ClinVar variation 1287125 (VCV001287125.3), dbSNP rs75311867, ClinGen allele CA150366540.

ClinVar aggregate classification (germline): Benign (1 of 4 stars; one submission).

Allele frequency attached by ClinVar (database versions not stated): 1000 Genomes Project 0.51238; 1000 Genomes Project 30x 0.52155; gnomAD 0.55958 and 0.56524; TOPMed 0.56738.

Submission:

GeneDx
Classification: Benign. Last evaluated: 2019-10-16. Review status: criteria provided, single submitter. Criteria: GeneDx Variant Classification Process June 2021. Collection method: clinical testing. Allele origin: germline. Affected: yes.
Comment: This variant is associated with the following publications: (PMID: 30823486)